The following is an entry in ClinVar:

ClinVar aggregate classification (germline): Uncertain significance (1 of 4 stars; one submission).

Conditions:
Cornelia de Lange syndrome 3 (CDLS3). Also called: CORNELIA DE LANGE SYNDROME 3 WITH OR WITHOUT MIDLINE BRAIN DEFECTS; SMC3-Related Cornelia de Lange Syndrome. Identifiers: Orphanet 199, MedGen C1853099, MONDO:0012555, OMIM 610759.

Allele frequency attached by ClinVar (database versions not stated): gnomAD exomes below 0.00001.
gnomAD v4.1: 2 of 1,613,528 alleles (0.00012%); highest among the groups gnomAD compares: Non-Finnish European, 0.00017%; no homozygotes.

Submission:

Centre for Mendelian Genomics, University Medical Centre Ljubljana
Classification: Uncertain significance for Cornelia de Lange syndrome 3. Last evaluated: 2019-08-12. Review status: criteria provided, single submitter. Criteria: ACMG Guidelines, 2015. Collection method: clinical testing. Allele origin: unknown. Affected: yes.
Comment: This variant was classified as: Uncertain significance. The available evidence on this variant's pathogenicity is insufficient or conflicting. The following ACMG criteria were applied in classifying this variant: PM2,PP2,PP3.

NM_005445.4(SMC3):c.7A>G (p.Ile3Val)

Gene: SMC3 (structural maintenance of chromosomes 3; plus strand). Cytogenetic location: 10q25.2.
Variant type: single nucleotide variant.
Coding change: c.7A>G on transcript NM_005445.4 (MANE Select); coding-DNA position 7, A replaced by G.
Protein change: p.Ile3Val; replaces isoleucine 3 with valine.
Molecular consequence: missense variant.
Genome position (GRCh38, 1-based): chr10:110,567,823, A>G. VCF-style: chr10-110567823-A-G. GRCh37 (hg19) VCF-style: chr10-112327581-A-G.
Other names: short protein forms I3V.
Identifiers: ClinVar variation 931594 (VCV000931594.3), dbSNP rs1860796091, ClinGen allele CA378367568.